The following is an entry in ClinVar:

ClinVar aggregate classification (germline): Uncertain significance (1 of 4 stars; one submission).

Allele frequency attached by ClinVar (database versions not stated): ExAC 0.00001; ESP Exome Variant Server 0.00015.
gnomAD v4.1: 15 of 1,605,364 alleles (0.00093%); highest among the groups gnomAD compares: African/African-American, 0.02%; no homozygotes.

Submission:

Labcorp Genetics (formerly Invitae), Labcorp
Classification: Uncertain significance. Last evaluated: 2023-03-18. Review status: criteria provided, single submitter. Criteria: Invitae Variant Classification Sherloc (09022015). Collection method: clinical testing. Allele origin: germline.
Comment: An algorithm developed to predict the effect of missense changes on protein structure and function (PolyPhen-2) suggests that this variant is likely to be tolerated. In summary, the available evidence is currently insufficient to determine the role of this variant in disease. Therefore, it has been classified as a Variant of Uncertain Significance. This variant has not been reported in the literature in individuals affected with TRRAP-related conditions. The frequency data for this variant in the population databases is considered unreliable, as metrics indicate poor data quality at this position in the gnomAD database. This sequence change replaces alanine, which is neutral and non-polar, with glycine, which is neutral and non-polar, at codon 497 of the TRRAP protein (p.Ala497Gly).

NM_001375524.1(TRRAP):c.1490C>G (p.Ala497Gly)

Gene: TRRAP (transformation/transcription domain associated protein; plus strand). Cytogenetic location: 7q22.1.
Variant type: single nucleotide variant.
Coding change: c.1490C>G on transcript NM_001375524.1 (MANE Select); coding-DNA position 1490, C replaced by G.
Protein change: p.Ala497Gly; replaces alanine 497 with glycine.
Molecular consequence: missense variant.
Genome position (GRCh38, 1-based): chr7:98,910,195, C>G. VCF-style: chr7-98910195-C-G. GRCh37 (hg19) VCF-style: chr7-98507818-C-G.
Other names: c.1490C>G, p.Ala497Gly (NM_001244580.2, NM_003496.4); short protein forms A497G.
Identifiers: ClinVar variation 2716187 (VCV002716187.3), dbSNP rs149973553, ClinGen allele CA4359529.